The following is an entry in ClinVar:

NM_024685.4(BBS10):c.590A>G (p.Tyr197Cys)

Gene: BBS10 (Bardet-Biedl syndrome 10; minus strand). Cytogenetic location: 12q21.2.
Variant type: single nucleotide variant.
Coding change: c.590A>G on transcript NM_024685.4 (MANE Select); coding-DNA position 590, A replaced by G.
Protein change: p.Tyr197Cys; replaces tyrosine 197 with cysteine.
Molecular consequence: missense variant.
Genome position (GRCh38, 1-based): chr12:76,347,395, T>C on the plus strand (A>G on the coding strand, the complement: BBS10 is on the minus strand). VCF-style: chr12-76347395-T-C. GRCh37 (hg19) VCF-style: chr12-76741175-T-C.
Other names: c.590A>G, p.Tyr197Cys (LRG_1255t1); short protein forms Y197C.
Identifiers: ClinVar variation 438154 (VCV000438154.15), dbSNP rs756632517, ClinGen allele CA6694316.
Genomic context (GRCh38, chr12:76,347,395, plus strand): 5'-TGGTCATCCACTAACTCAAATACACCAATCCCACTTTTACAAGTCATACACTTGAAAAAG[T>C]AGTCACACATCAACTGTGAAATAAATTTATGATTATTTCTTCCCACTCTTCCACAAAAGT-3'
Protein context (NP_078961.3, residues 187-207): HKFISQLMCD[Tyr197Cys]FFKCMTCKSG

ClinVar aggregate classification (germline): Pathogenic/Likely pathogenic. Review status: criteria provided, multiple submitters, no conflicts (2 of 4 stars). 5 submissions from 5 submitters: Pathogenic (2); Likely pathogenic (1). 2 of the submissions do not count toward it. Last evaluated 2026-09-14.

Conditions:
BBS10-related disorder. Also called: BBS10-related condition.
Retinitis pigmentosa (RP). Identifiers: Orphanet 791, MedGen C0035334, MeSH D012174, MONDO:0019200, OMIM 268000. Inheritance: Autosomal dominant, autosomal recessive and X linked inheritance.
Bardet-Biedl syndrome (BBS). Identifiers: Orphanet 110, MedGen C0752166, MONDO:0015229.
Bardet-Biedl syndrome 10 (BBS10). Identifiers: Orphanet 110, MedGen C1859568, MONDO:0014438, OMIM 615987.

Allele frequency attached by ClinVar (database versions not stated): gnomAD exomes below 0.00001 and 0.00001; TOPMed below 0.00001; ExAC 0.00001.
gnomAD v4.1: 13 of 1,614,068 alleles (0.00081%); highest among the groups gnomAD compares: South Asian, 0.0011%; no homozygotes.

Submissions (5):

PreventionGenetics, part of Exact Sciences
Classification: Pathogenic for BBS10-related condition. Last evaluated: 2026-09-14. Review status: criteria provided, single submitter. Criteria: ACMG Guidelines, 2015. Collection method: clinical testing. Allele origin: germline.
Comment: The BBS10 c.590A>G variant is predicted to result in the amino acid substitution p.Tyr197Cys. This variant was reported in, along with a second pathogenic variant in the same gene, in an individual with Bardet-Biedl syndrome and in an individual with retinitis pigmentosa (Stoetzel et al. 2006. PubMed ID: 16582908; Table S2, Carss et al. 2017. PubMed ID: 28041643). In vivo functional studies showed the p.Tyr197Cys substitution could impact normal protein function and was considered a null variant (Figure S2, S3, and S4 in Zaghloul et al. 2010. PubMed ID: 20498079). This variant is reported in 0.00088% of alleles in individuals of European (Non-Finnish) descent in gnomAD. At PreventionGenetics, this variant was identified, along with a second pathogenic BBS10 variant, in two unrelated individuals with Bardet-Biedl syndrome. Taken together, this variant is interpreted as pathogenic.

Myriad Genetics, Inc.
Classification: Likely pathogenic for Bardet-Biedl syndrome 10. Last evaluated: 2025-04-01. Review status: criteria provided, single submitter. Criteria: Myriad Autosomal Dominant, Autosomal Recessive and X-Linked Classification Criteria (2023). Collection method: clinical testing. Allele origin: unknown.
Comment: NM_024685.3(BBS10):c.590A>G(Y197C) is a missense variant classified as likely pathogenic in the context of Bardet-Biedl syndrome, BBS10-related. Y197C has been observed in cases with relevant disease (PMID: 16582908, 33046855, 37333983). Relevant functional assessments of this variant are not available in the literature. Y197C has not been observed in referenced population frequency databases. In summary, NM_024685.3(BBS10):c.590A>G(Y197C) is a missense variant that has been observed more frequently in cases with the relevant disease than in healthy populations. Please note: this variant was assessed in the context of healthy population screening.

Labcorp Genetics (formerly Invitae), Labcorp
Classification: Pathogenic for Bardet-Biedl syndrome. Last evaluated: 2023-11-27. Review status: criteria provided, single submitter. Criteria: Invitae Variant Classification Sherloc (09022015). Collection method: clinical testing. Allele origin: germline.
Comment: This sequence change replaces tyrosine, which is neutral and polar, with cysteine, which is neutral and slightly polar, at codon 197 of the BBS10 protein (p.Tyr197Cys). This variant is present in population databases (rs756632517, gnomAD 0.002%). This missense change has been observed in individual(s) with clinical features of Bardet-Biedl syndrome (PMID: 16582908, 35112343; Invitae). In at least one individual the data is consistent with being in trans (on the opposite chromosome) from a pathogenic variant. ClinVar contains an entry for this variant (Variation ID: 438154). Advanced modeling of protein sequence and biophysical properties (such as structural, functional, and spatial information, amino acid conservation, physicochemical variation, residue mobility, and thermodynamic stability) performed at Invitae indicates that this missense variant is expected to disrupt BBS10 protein function with a positive predictive value of 80%. Experimental studies have shown that this missense change affects BBS10 function (PMID: 20498079). For these reasons, this variant has been classified as Pathogenic.

NIHR Bioresource Rare Diseases, University of Cambridge
Classification: Likely pathogenic for Retinitis pigmentosa. Last evaluated: 2015-01-01. Review status: no assertion criteria provided. Collection method: research. Allele origin: unknown. Affected: yes. Observed: 1 variant allele. Not counted in ClinVar's aggregate classification.

Fulgent Genetics
Classification: Uncertain significance for Bardet-Biedl syndrome 10. Last evaluated: 2021-12-06. Review status: flagged submission. Criteria: ACMG Guidelines, 2015. Collection method: clinical testing. Allele origin: unknown. Not counted in ClinVar's aggregate classification.
ClinVar note: Reason: Outlier claim with insufficient supporting evidence

Literature cited by the submitters: PubMed 16582908 (cited by 3 submitters); PubMed 33046855 (cited by Myriad Genetics, Inc.); PubMed 37333983 (cited by Myriad Genetics, Inc.); PubMed 35112343 (cited by Labcorp Genetics (formerly Invitae), Labcorp); PubMed 20498079 (cited by Labcorp Genetics (formerly Invitae), Labcorp); PubMed 28041643 (cited by NIHR Bioresource Rare Diseases, University of Cambridge).